The following is an entry in ClinVar:

NM_004064.5(CDKN1B):c.312_313del (p.Ser106fs)

Gene: CDKN1B (cyclin dependent kinase inhibitor 1B; plus strand). Cytogenetic location: 12p13.1.
Variant type: Deletion.
Coding change: c.312_313del on transcript NM_004064.5 (MANE Select); coding-DNA positions 312 to 313, 2 bases deleted (GG; older notation c.312_313delGG).
Protein change: p.Ser106fs; shifts the reading frame from serine 106.
Molecular consequence: frameshift variant.
Genome position (GRCh38, 1-based): chr12:12,718,151-12,718,152, GG deleted. VCF-style (leftmost placement, unchanged base first): chr12-12718150-AGG-A. GRCh37 (hg19) VCF-style: chr12-12871084-AGG-A.
Other names: short protein forms S106fs.
Identifiers: ClinVar variation 2749179 (VCV002749179.3), dbSNP rs2497405175, ClinGen allele CA2697559112.

ClinVar aggregate classification (germline): Pathogenic (1 of 4 stars; one submission).

Conditions:
Multiple endocrine neoplasia type 4. Also called: MULTIPLE ENDOCRINE NEOPLASIA, TYPE IV. Identifiers: Orphanet 276152, MedGen C1970712, MONDO:0012552, OMIM 610755.

Submission:

Labcorp Genetics (formerly Invitae), Labcorp
Classification: Pathogenic for Multiple endocrine neoplasia type 4. Last evaluated: 2023-08-02. Review status: criteria provided, single submitter. Criteria: Invitae Variant Classification Sherloc (09022015). Collection method: clinical testing. Allele origin: germline.
Comment: This sequence change creates a premature translational stop signal (p.Ser106Profs*18) in the CDKN1B gene. It is expected to result in an absent or disrupted protein product. Loss-of-function variants in CDKN1B are known to be pathogenic (PMID: 17030811, 24819502). For these reasons, this variant has been classified as Pathogenic. This variant has not been reported in the literature in individuals affected with CDKN1B-related conditions. This variant is not present in population databases (gnomAD no frequency).

Literature cited by the submitters: PubMed 17030811; PubMed 24819502.